The following is an entry in ClinVar:

NM_001453.3(FOXC1):c.453C>G (p.Tyr151Ter)

Gene: FOXC1 (forkhead box C1; plus strand). Cytogenetic location: 6p25.3.
Variant type: single nucleotide variant.
Coding change: c.453C>G on transcript NM_001453.3 (MANE Select); coding-DNA position 453, C replaced by G.
Protein change: p.Tyr151Ter; replaces tyrosine 151 with a stop codon.
Molecular consequence: nonsense.
Genome position (GRCh38, 1-based): chr6:1,610,898, C>G. VCF-style: chr6-1610898-C-G. GRCh37 (hg19) VCF-style: chr6-1611133-C-G.
Other names: short protein forms Y151*.
Identifiers: ClinVar variation 2015283 (VCV002015283.4), dbSNP rs1344439858, ClinGen allele CA362558855.
Genomic context (GRCh38, chr6:1,610,898, plus strand): 5'-GCTCAACGAGTGCTTCGTCAAGGTGCCGCGCGACGACAAGAAGCCGGGCAAGGGCAGCTA[C>G]TGGACGCTGGACCCGGACTCCTACAACATGTTCGAGAACGGCAGCTTCCTGCGGCGGCGG-3'

ClinVar aggregate classification (germline): Pathogenic (1 of 4 stars; one submission).

Conditions:
Axenfeld-Rieger syndrome type 3 (RIEG3). Also called: AXENFELD-RIEGER ANOMALY WITH CARDIAC DEFECTS AND/OR SENSORINEURAL HEARING LOSS. Identifiers: Orphanet 782, MedGen C2678503, MONDO:0011233, OMIM 602482.

Submission:

Labcorp Genetics (formerly Invitae), Labcorp
Classification: Pathogenic for Axenfeld-Rieger syndrome type 3. Last evaluated: 2022-07-09. Review status: criteria provided, single submitter. Criteria: Invitae Variant Classification Sherloc (09022015). Collection method: clinical testing. Allele origin: germline.
Comment: For these reasons, this variant has been classified as Pathogenic. This sequence change creates a premature translational stop signal (p.Tyr151*) in the FOXC1 gene. While this is not anticipated to result in nonsense mediated decay, it is expected to disrupt the last 403 amino acid(s) of the FOXC1 protein. This variant is not present in population databases (gnomAD no frequency). This variant has not been reported in the literature in individuals affected with FOXC1-related conditions. This variant disrupts a region of the FOXC1 protein in which other variant(s) (p.Tyr497*) have been determined to be pathogenic (PMID: 28513611; Invitae). This suggests that this is a clinically significant region of the protein, and that variants that disrupt it are likely to be disease-causing.

Literature cited by the submitters: PubMed 28513611.